The following is an entry in ClinVar:

ClinVar aggregate classification (germline): Uncertain significance (1 of 4 stars; one submission).

Conditions:
IRAK1-related disorder. Also called: IRAK1-related condition.

Submission:

PreventionGenetics, part of Exact Sciences
Classification: Uncertain significance for IRAK1-related condition. Last evaluated: 2025-10-22. Review status: criteria provided, single submitter. Criteria: ACMG Guidelines, 2015. Collection method: clinical testing. Allele origin: germline.
Comment: The IRAK1 c.1507C>T variant is predicted to result in the amino acid substitution p.Arg503Cys. To our knowledge, this variant has not been reported in the literature or in a large population database (gnomAD), indicating this variant is rare. At this time, the clinical significance of this variant is uncertain due to the absence of conclusive functional and genetic evidence.

NM_001569.4(IRAK1):c.1507C>T (p.Arg503Cys)

Gene: IRAK1 (interleukin 1 receptor associated kinase 1; minus strand). Cytogenetic location: Xq28.
Variant type: single nucleotide variant.
Coding change: c.1507C>T on transcript NM_001569.4 (MANE Select); coding-DNA position 1507, C replaced by T.
Protein change: p.Arg503Cys; replaces arginine 503 with cysteine.
Molecular consequence: missense variant. On other transcripts: intron variant (1).
Genome position (GRCh38, 1-based): chrX:154,014,074, G>A on the plus strand (C>T on the coding strand, the complement: IRAK1 is on the minus strand). VCF-style: chrX-154014074-G-A. GRCh37 (hg19) VCF-style: chrX-153279525-G-A.
Other names: c.1507C>T, p.Arg503Cys (NM_001025242.2); c.1585C>T, p.Arg529Cys (NM_001410701.1); c.1303-641C>T (NM_001025243.2); short protein forms R529C, R503C.
Identifiers: ClinVar variation 4988775 (VCV004988775.1).
Genomic context (GRCh38, chrX:154,014,074, plus strand): 5'-CACCCCGTCCCAGTGCGCAGCTGGCTACCTGGGTCATAGGAGGCCTCCTTTTGGCCCGGC[G>A]GTGCAGGCAGCAGCAGGCCAGCTGGCCCAGGCCCAGGCCCAGCTCAGGTGGGCAGGGCCC-3'
Protein context (NP_001560.2, residues 493-513): LGQLACCCLH[Arg503Cys]RAKRRPPMTQ